The following is an entry in ClinVar:

ClinVar aggregate classification (germline): Likely benign (1 of 4 stars; one submission).

Allele frequency attached by ClinVar (database versions not stated): gnomAD exomes below 0.00001; TOPMed below 0.00001.
gnomAD v4.1: 2 of 1,582,066 alleles (0.00013%); highest among the groups gnomAD compares: Non-Finnish European, 0.000086%; no homozygotes.

Submission:

GeneDx
Classification: Likely benign. Last evaluated: 2017-01-23. Review status: criteria provided, single submitter. Criteria: GeneDx Variant Classification (06012015). Collection method: clinical testing. Allele origin: germline. Affected: yes.
Comment: This variant is considered likely benign or benign based on one or more of the following criteria: it is a conservative change, it occurs at a poorly conserved position in the protein, it is predicted to be benign by multiple in silico algorithms, and/or has population frequency not consistent with disease.

NM_004655.4(AXIN2):c.-40A>G

Gene: AXIN2 (axin 2; minus strand). Cytogenetic location: 17q24.1.
Variant type: single nucleotide variant.
Coding change: c.-40A>G on transcript NM_004655.4 (MANE Select); 40 bases upstream of the start codon, A replaced by G.
Molecular consequence: 5 prime UTR variant.
Genome position (GRCh38, 1-based): chr17:65,558,660, T>C on the plus strand (A>G on the coding strand, the complement: AXIN2 is on the minus strand). VCF-style: chr17-65558660-T-C. GRCh37 (hg19) VCF-style: chr17-63554778-T-C.
Other names: c.-40A>G (NM_001363813.1, LRG_296t1).
Identifiers: ClinVar variation 506989 (VCV000506989.1), dbSNP rs1555583839, ClinGen allele CA658798949.
Genomic context (GRCh38, chr17:65,558,660, plus strand): 5'-CACCAACATAGCGCTACTCATGGTGAGGGAGCTCTTCCCACTGAGTCTGGGAATTTTTCT[T>C]CTTCCAGTTCCTCTCAGCAATCGGCGTGGTCTCTCTGTCTCTCTCAAGTCAGCAGGGGCT-3'